The following is an entry in ClinVar:

NM_000026.4(ADSL):c.-37C>T

Gene: ADSL (adenylosuccinate lyase; plus strand). Cytogenetic location: 22q13.1.
Variant type: single nucleotide variant.
Coding change: c.-37C>T on transcript NM_000026.4 (MANE Select); 37 bases upstream of the start codon, C replaced by T.
Molecular consequence: 5 prime UTR variant. On other transcripts: non-coding transcript variant (1).
Genome position (GRCh38, 1-based): chr22:40,346,522, C>T. VCF-style: chr22-40346522-C-T. GRCh37 (hg19) VCF-style: chr22-40742526-C-T.
Other names: c.-37C>T (NM_001123378.3, NM_001363840.3, NM_001410812.1 and 2 more transcripts); c.-174C>T (NM_001317923.2).
Identifiers: ClinVar variation 2162930 (VCV002162930.1), dbSNP rs372357778, ClinGen allele CA10247560.

ClinVar aggregate classification (germline): Uncertain significance (1 of 4 stars; one submission).

Conditions:
Adenylosuccinate lyase deficiency (ADSLD). Also called: ADSL DEFICIENCY. Identifiers: Orphanet 46, MedGen C0268126, MONDO:0007068, OMIM 103050.

gnomAD v4.1: 5 of 1,585,756 alleles (0.00032%); highest among the groups gnomAD compares: Non-Finnish European, 0.00034%; no homozygotes.

Submission:

Labcorp Genetics (formerly Invitae), Labcorp
Classification: Uncertain significance for Adenylosuccinate lyase deficiency. Last evaluated: 2022-05-12. Review status: criteria provided, single submitter. Criteria: Invitae Variant Classification Sherloc (09022015). Collection method: clinical testing. Allele origin: germline.
Comment: This variant occurs in a non-coding region of the ADSL gene. It does not change the encoded amino acid sequence of the ADSL protein. The frequency data for this variant in the population databases is considered unreliable, as metrics indicate poor data quality at this position in the gnomAD database. This variant has not been reported in the literature in individuals affected with ADSL-related conditions. Experimental studies and prediction algorithms are not available or were not evaluated, and the functional significance of this variant is currently unknown. In summary, the available evidence is currently insufficient to determine the role of this variant in disease. Therefore, it has been classified as a Variant of Uncertain Significance.